The following is an entry in ClinVar:

NM_002049.4(GATA1):c.220_220+9del

Gene: GATA1 (GATA binding protein 1; plus strand). Cytogenetic location: Xp11.23.
Variant type: Deletion.
Coding change: c.220_220+9del on transcript NM_002049.4 (MANE Select); coding-DNA position 220 through 9 bases into the intron after coding-DNA position 220, 10 bases deleted (GGTAACTCCA; older notation c.220_220+9delGGTAACTCCA).
Molecular consequence: splice donor variant.
Genome position (GRCh38, 1-based): chrX:48,791,329-48,791,338, GGTAACTCCA deleted; deleting any 10 consecutive bases within chrX:48,791,326-48,791,338 gives the same sequence; the c. name uses the placement nearest the transcript's 3' end. VCF-style (leftmost placement, unchanged base first): chrX-48791325-CCCAGGTAACT-C. GRCh37 (hg19) VCF-style: chrX-48649732-CCCAGGTAACT-C.
Identifiers: ClinVar variation 4785436 (VCV004785436.1).

ClinVar aggregate classification (germline): Likely pathogenic (1 of 4 stars; one submission).

Conditions:
Diamond-Blackfan anemia. Also called: Blackfan Diamond syndrome; Aregenerative anemia chronic congenital; Red cell aplasia, pure hereditary; Congenital hypoplastic anemia; Aase syndrome. Identifiers: Orphanet 124, MedGen C1260899, MeSH D029503, MONDO:0015253, HP:0004810.
GATA binding protein 1 related thrombocytopenia with dyserythropoiesis. Also called: GATA1-Related Cytopenia; GATA1-Related X-Linked Cytopenia. Identifiers: MedGen C1845837, MONDO:0100089.

Submission:

Labcorp Genetics (formerly Invitae), Labcorp
Classification: Likely pathogenic for GATA binding protein 1 related thrombocytopenia with dyserythropoiesis; Diamond-Blackfan anemia. Last evaluated: 2025-08-02. Review status: criteria provided, single submitter. Criteria: Invitae Variant Classification Sherloc (09022015). Collection method: clinical testing. Allele origin: germline.
Comment: This variant results in the deletion of part of exon 2 (c.220_220+9del) of the GATA1 gene. It is expected to disrupt RNA splicing. Variants that disrupt the donor or acceptor splice site typically lead to a loss of protein function (PMID: 16199547), and loss-of-function variants in GATA1 are known to be pathogenic (PMID: 16783379, 22706301, 23704091, 24453067). This variant is not present in population databases (gnomAD no frequency). This variant has not been reported in the literature in individuals affected with GATA1-related conditions. Algorithms developed to predict the effect of sequence changes on RNA splicing suggest that this variant may disrupt the consensus splice site. In summary, the currently available evidence indicates that the variant is pathogenic, but additional data are needed to prove that conclusively. Therefore, this variant has been classified as Likely Pathogenic.

Literature cited by the submitters: PubMed 16199547; PubMed 16783379; PubMed 22706301; PubMed 23704091; PubMed 24453067.